The following is an entry in ClinVar:

ClinVar aggregate classification (germline): Uncertain significance. Review status: criteria provided, multiple submitters, no conflicts (2 of 4 stars). 4 submissions from 4 submitters: Uncertain significance (4). Last evaluated 2022-02-23.

Conditions:
Atrial septal defect 5 (ASD5). Identifiers: Orphanet 1478, MedGen C2748552, MONDO:0013011, OMIM 612794.
Dilated cardiomyopathy 1R (CMD1R). Identifiers: Orphanet 154, Orphanet 54260, MedGen C3150681, MONDO:0013261, OMIM 613424.
Hypertrophic cardiomyopathy 11. Also called: ACTC1-Related Familial Hypertrophic Cardiomyopathy. Identifiers: MedGen C2677506, MONDO:0012799, OMIM 612098.

Submissions (4):

Blueprint Genetics
Classification: Uncertain significance. Last evaluated: 2022-02-23. Review status: criteria provided, single submitter. Criteria: ACMG Guidelines, 2015. Collection method: clinical testing. Allele origin: germline.

Labcorp Genetics (formerly Invitae), Labcorp
Classification: Uncertain significance for Dilated cardiomyopathy 1R; Hypertrophic cardiomyopathy 11; Atrial septal defect 5. Last evaluated: 2019-06-22. Review status: criteria provided, single submitter. Criteria: Invitae Variant Classification Sherloc (09022015). Collection method: clinical testing. Allele origin: germline.
Comment: Algorithms developed to predict the effect of missense changes on protein structure and function are either unavailable or do not agree on the potential impact of this missense change (SIFT: "Deleterious"; PolyPhen-2: "Benign"; Align-GVGD: "Class C65"). In summary, the available evidence is currently insufficient to determine the role of this variant in disease. Therefore, it has been classified as a Variant of Uncertain Significance. This variant has not been reported in the literature in individuals with ACTC1-related disease. ClinVar contains an entry for this variant (Variation ID: 180759). This variant is not present in population databases (ExAC no frequency). This sequence change replaces threonine with isoleucine at codon 188 of the ACTC1 protein (p.Thr188Ile). The threonine residue is highly conserved and there is a moderate physicochemical difference between threonine and isoleucine.

Stanford Center for Inherited Cardiovascular Disease, Stanford University
Classification: Uncertain significance. Last evaluated: 2016-04-14. Review status: criteria provided, single submitter. Criteria: ACMG Guidelines, 2015. Collection method: provider interpretation. Allele origin: germline.

GeneDx
Classification: Uncertain significance. Last evaluated: 2015-09-28. Review status: criteria provided, single submitter. Criteria: GeneDx Variant Classification (06012015). Collection method: clinical testing. Allele origin: germline. Affected: yes.
Comment: p.Thr188Ile (ACT>ATT): c.563 C>T in exon 4 of the ACTC1 gene (NM_005159.4). The Thr188Ile variant in the ACTC1 gene has not been reported as a disease-causing mutation or as a benign polymorphism to our knowledge. Thr188Ile results in a non-conservative amino acid substitution of a polar Threonine with a non-polar Isoleucine at a position that is conserved across species. In silico analysis predicts Thr188Ile is damaging to the protein structure/function. The Thr188Ile variant was not observed in approximately 6,500 individuals of European and African American ancestry in the NHLBI Exome Sequencing Project, indicating it is not a common benign variant in these populations. Nevertheless, no mutations in nearby codons have been reported in association with cardiomyopathy.With the clinical and molecular information available at this time, we cannot definitively determine if Thr188Ile is a disease-causing mutation or a rare benign variant. The variant is found in DCM panel(s).

NM_005159.5(ACTC1):c.563C>T (p.Thr188Ile)

Genes: ACTC1 (actin alpha cardiac muscle 1; minus strand), GJD2-DT (GJD2 divergent transcript; plus strand). Cytogenetic location: 15q14.
Variant type: single nucleotide variant.
Coding change: c.563C>T on transcript NM_005159.5 (MANE Select); coding-DNA position 563, C replaced by T.
Protein change: p.Thr188Ile; replaces threonine 188 with isoleucine.
Molecular consequence: missense variant.
Genome position (GRCh38, 1-based): chr15:34,792,461, G>A on the plus strand (C>T on the coding strand, the complement: ACTC1 is on the minus strand). VCF-style: chr15-34792461-G-A. GRCh37 (hg19) VCF-style: chr15-35084662-G-A.
Other names: p.T188I:ACT>ATT; c.563C>T (LRG_388t1); short protein forms T188I.
Identifiers: ClinVar variation 180759 (VCV000180759.14), dbSNP rs730880394, ClinGen allele CA019827.
Genomic context (GRCh38, chr15:34,792,461, plus strand): 5'-CACTCACCAGTGGTGACAAAGGAGTAGCCACGCTCAGTGAGGATCTTCATGAGGTAGTCA[G>A]TGAGGTCCCGACCAGCCAGATCCAGACGCATGATGGCATGGGGCAAAGCGTAGCCCTCAT-3'
Protein context (NP_005150.1, residues 178-198): MRLDLAGRDL[Thr188Ile]DYLMKILTER